The following is an entry in ClinVar:

ClinVar aggregate classification (germline): Uncertain significance (1 of 4 stars; one submission).

Conditions:
Fanconi anemia (FA). Also called: Fanconi's anemia. Identifiers: Orphanet 84, MedGen C0015625, MeSH D005199, MONDO:0019391.

Allele frequency attached by ClinVar (database versions not stated): gnomAD exomes below 0.00001; gnomAD 0.00001; TOPMed 0.00001.
gnomAD v4.1: 3 of 1,611,158 alleles (0.00019%); highest among the groups gnomAD compares: Non-Finnish European, 0.00017%; no homozygotes.

Submission:

Labcorp Genetics (formerly Invitae), Labcorp
Classification: Uncertain significance for Fanconi anemia. Last evaluated: 2023-08-11. Review status: criteria provided, single submitter. Criteria: Invitae Variant Classification Sherloc (09022015). Collection method: clinical testing. Allele origin: germline.
Comment: In summary, the available evidence is currently insufficient to determine the role of this variant in disease. Therefore, it has been classified as a Variant of Uncertain Significance. Variants that disrupt the consensus splice site are a relatively common cause of aberrant splicing (PMID: 17576681, 9536098). Algorithms developed to predict the effect of sequence changes on RNA splicing suggest that this variant may disrupt the consensus splice site. This variant has not been reported in the literature in individuals affected with FANCA-related conditions. This variant is not present in population databases (gnomAD no frequency). This sequence change falls in intron 37 of the FANCA gene. It does not directly change the encoded amino acid sequence of the FANCA protein. It affects a nucleotide within the consensus splice site.

Literature cited by the submitters: PubMed 17576681; PubMed 9536098.

NM_000135.4(FANCA):c.3766-3C>T

Genes: FANCA (FA complementation group A; minus strand), ZNF276 (zinc finger protein 276; plus strand). Cytogenetic location: 16q24.3.
Variant type: single nucleotide variant.
Coding change: c.3766-3C>T on transcript NM_000135.4 (MANE Select); 3 bases into the intron before coding-DNA position 3766, C replaced by T.
Molecular consequence: intron variant. On other transcripts: 3 prime UTR variant (2), non-coding transcript variant (4).
Genome position (GRCh38, 1-based): chr16:89,740,869, G>A on the plus strand (C>T on the coding strand, the complement: FANCA is on the minus strand). VCF-style: chr16-89740869-G-A. GRCh37 (hg19) VCF-style: chr16-89807277-G-A.
Other names: c.*2623G>A (NM_001113525.2, NM_152287.4); c.3766-3C>T (NM_001286167.3).
Identifiers: ClinVar variation 2896783 (VCV002896783.2), dbSNP rs921011399, ClinGen allele CA286618442.